The following is an entry in ClinVar:

NM_002202.3(ISL1):c.818A>G (p.His273Arg)

Gene: ISL1 (ISL LIM homeobox 1; plus strand). Cytogenetic location: 5q11.1.
Variant type: single nucleotide variant.
Coding change: c.818A>G on transcript NM_002202.3 (MANE Select); coding-DNA position 818, A replaced by G.
Protein change: p.His273Arg; replaces histidine 273 with arginine.
Molecular consequence: missense variant.
Genome position (GRCh38, 1-based): chr5:51,391,326, A>G. VCF-style: chr5-51391326-A-G. GRCh37 (hg19) VCF-style: chr5-50687160-A-G.
Other names: short protein forms H273R.
Identifiers: ClinVar variation 4998969 (VCV004998969.1).

ClinVar aggregate classification (germline): Uncertain significance (1 of 4 stars; one submission).

Conditions:
ISL1-related disorder. Also called: ISL1-related condition.

gnomAD v4.1: 3 of 1,613,818 alleles (0.00019%); highest among the groups gnomAD compares: African/African-American, 0.0027%; no homozygotes.

Submission:

PreventionGenetics, part of Exact Sciences
Classification: Uncertain significance for ISL1-related condition. Last evaluated: 2025-03-04. Review status: criteria provided, single submitter. Criteria: ACMG Guidelines, 2015. Collection method: clinical testing. Allele origin: germline.
Comment: The ISL1 c.818A>G variant is predicted to result in the amino acid substitution p.His273Arg. To our knowledge, this variant has not been reported in the literature. This variant is reported in 0.013% of alleles in individuals of African descent in gnomAD. At this time, the clinical significance of this variant is uncertain due to the absence of conclusive functional and genetic evidence.